The following is an entry in ClinVar:

ClinVar aggregate classification (germline): Likely benign (1 of 4 stars; one submission).

Submission:

GeneDx
Classification: Likely benign. Last evaluated: 2019-11-22. Review status: criteria provided, single submitter. Criteria: GeneDx Variant Classification Process June 2021. Collection method: clinical testing. Allele origin: germline. Affected: yes.
Comment: See Variant Classification Assertion Criteria.

NM_001846.4(COL4A2):c.912+143_912+144insCCAC

Gene: COL4A2 (collagen type IV alpha 2 chain; plus strand). Cytogenetic location: 13q34.
Variant type: Insertion.
Coding change: c.912+143_912+144insCCAC on transcript NM_001846.4 (MANE Select); bases 143 to 144 of the intron after coding-DNA position 912, CCAC inserted.
Molecular consequence: intron variant.
Genome position: GRCh38 VCF-style: chr13-110438810-C-CCCCA. GRCh37 (hg19) VCF-style: chr13-111091157-C-CCCCA.
Identifiers: ClinVar variation 1706846 (VCV001706846.2), dbSNP rs372770020, ClinGen allele CA612634780.